The following is an entry in ClinVar:

ClinVar aggregate classification (germline): Benign/Likely benign. Review status: criteria provided, multiple submitters, no conflicts (2 of 4 stars). 7 submissions from 7 submitters: Benign (5); Likely benign (1). 1 of the submissions does not count toward it. Last evaluated 2026-02-02.

Conditions:
KDM6A-related disorder. Also called: KDM6A-related condition.
Kabuki syndrome 2 (KABUK2). Also called: KDM6A-Related Kabuki Syndrome. Identifiers: Orphanet 2322, MedGen C3275495, MONDO:0010465, OMIM 300867.

Allele frequency attached by ClinVar (database versions not stated): gnomAD exomes 0.00114; ExAC 0.00135; 1000 Genomes Project 0.00344; 1000 Genomes Project 30x 0.00354; gnomAD 0.00403 and 0.00426; TOPMed 0.00431; ESP Exome Variant Server 0.00454.
gnomAD v4.1: 879 of 1,209,634 alleles (0.073%); highest among the groups gnomAD compares: African/African-American, 1.4%; 8 homozygotes.

Submissions (7):

Labcorp Genetics (formerly Invitae), Labcorp
Classification: Benign for Kabuki syndrome 2. Last evaluated: 2026-02-02. Review status: criteria provided, single submitter. Criteria: Invitae Variant Classification Sherloc (09022015). Collection method: clinical testing. Allele origin: germline.

Blueprint Genetics
Classification: Benign. Last evaluated: 2024-07-04. Review status: criteria provided, single submitter. Criteria: ACMG Guidelines, 2015. Collection method: clinical testing. Allele origin: germline.

GeneDx
Classification: Benign. Last evaluated: 2019-11-05. Review status: criteria provided, single submitter. Criteria: GeneDx Variant Classification Process June 2021. Collection method: clinical testing. Allele origin: germline. Affected: yes.

Genetic Services Laboratory, University of Chicago
Classification: Benign. Last evaluated: 2018-08-13. Review status: criteria provided, single submitter. Criteria: ACMG Guidelines, 2015. Collection method: clinical testing. Allele origin: germline. Affected: no.

Eurofins Ntd Llc (ga)
Classification: Benign. Last evaluated: 2014-10-07. Review status: criteria provided, single submitter. Criteria: EGL Classification Definitions 2015. Collection method: clinical testing. Allele origin: germline. Observed: 1 variant allele, 1 hemizygote.

Breakthrough Genomics
Classification: Likely benign. Review status: criteria provided, single submitter. Criteria: ACMG Guidelines, 2015. Collection method: not provided. Allele origin: germline. Inheritance: X-linked inheritance. Affected: yes.

PreventionGenetics, part of Exact Sciences
Classification: Benign for KDM6A-related condition. Last evaluated: 2022-12-08. Review status: no assertion criteria provided. Collection method: clinical testing. Allele origin: germline. Not counted in ClinVar's aggregate classification.
Comment: This variant is classified as benign based on ACMG/AMP sequence variant interpretation guidelines (Richards et al. 2015 PMID: 25741868, with internal and published modifications).

NM_001291415.2(KDM6A):c.3834T>C (p.His1278=)

Gene: KDM6A (lysine demethylase 6A; plus strand). Cytogenetic location: Xp11.3.
Variant type: single nucleotide variant.
Coding change: c.3834T>C on transcript NM_001291415.2 (MANE Select); coding-DNA position 3834, T replaced by C.
Protein change: p.His1278=; no amino-acid change (histidine 1278 retained).
Molecular consequence: synonymous variant. On other transcripts: non-coding transcript variant (1).
Genome position (GRCh38, 1-based): chrX:45,089,872, T>C. VCF-style: chrX-45089872-T-C. GRCh37 (hg19) VCF-style: chrX-44949117-T-C.
Other names: c.3699T>C, p.His1233= (NM_001291416.2); c.3543T>C, p.His1181= (NM_001291417.2); c.3441T>C, p.His1147= (NM_001291418.2); c.2790T>C, p.His930= (NM_001291421.2); c.3678T>C, p.His1226= (NM_021140.4).
Identifiers: ClinVar variation 195903 (VCV000195903.24), dbSNP rs138989066, ClinGen allele CA202015.